The following is an entry in ClinVar:

ClinVar aggregate classification (germline): Likely benign (1 of 4 stars; one submission).

Conditions:
ATP11A-related disorder. Also called: ATP11A-related condition.

gnomAD v4.1: 98 of 1,614,130 alleles (0.0061%); highest among the groups gnomAD compares: Admixed American, 0.11%; no homozygotes.

Submission:

PreventionGenetics, part of Exact Sciences
Classification: Likely benign for ATP11A-related condition. Last evaluated: 2026-06-25. Review status: criteria provided, single submitter. Criteria: ACMG Guidelines, 2015. Collection method: clinical testing. Allele origin: germline.
Comment: This variant is classified as likely benign based on ACMG/AMP sequence variant interpretation guidelines (Richards et al. 2015 PMID: 25741868, with internal and published modifications).

NM_015205.3(ATP11A):c.1456G>A (p.Asp486Asn)

Gene: ATP11A (ATPase phospholipid transporting 11A; plus strand). Cytogenetic location: 13q34.
Variant type: single nucleotide variant.
Coding change: c.1456G>A on transcript NM_015205.3 (MANE Select); coding-DNA position 1456, G replaced by A.
Protein change: p.Asp486Asn; replaces aspartic acid 486 with asparagine.
Molecular consequence: missense variant.
Genome position (GRCh38, 1-based): chr13:112,832,920, G>A. VCF-style: chr13-112832920-G-A. GRCh37 (hg19) VCF-style: chr13-113487234-G-A.
Other names: c.1456G>A, p.Asp486Asn (NM_001405661.1, NM_001405662.1, NM_001405663.1 and 1 more transcripts); short protein forms D486N.
Identifiers: ClinVar variation 4979755 (VCV004979755.1).